The following is an entry in ClinVar:

ClinVar aggregate classification (germline): Uncertain significance (1 of 4 stars; one submission).

Allele frequency attached by ClinVar (database versions not stated): gnomAD 0.00002; TOPMed 0.00002.
gnomAD v4.1: 13 of 1,613,966 alleles (0.00081%); highest among the groups gnomAD compares: South Asian, 0.0055%; no homozygotes.

Submission:

Labcorp Genetics (formerly Invitae), Labcorp
Classification: Uncertain significance. Last evaluated: 2023-05-05. Review status: criteria provided, single submitter. Criteria: Invitae Variant Classification Sherloc (09022015). Collection method: clinical testing. Allele origin: germline.
Comment: In summary, the available evidence is currently insufficient to determine the role of this variant in disease. Therefore, it has been classified as a Variant of Uncertain Significance. Advanced modeling of protein sequence and biophysical properties (such as structural, functional, and spatial information, amino acid conservation, physicochemical variation, residue mobility, and thermodynamic stability) performed at Invitae indicates that this missense variant is not expected to disrupt SLC10A2 protein function. This variant has not been reported in the literature in individuals affected with SLC10A2-related conditions. This variant is present in population databases (rs779125883, gnomAD 0.01%). This sequence change replaces aspartic acid, which is acidic and polar, with asparagine, which is neutral and polar, at codon 120 of the SLC10A2 protein (p.Asp120Asn).

NM_000452.3(SLC10A2):c.358G>A (p.Asp120Asn)

Gene: SLC10A2 (solute carrier family 10 member 2; minus strand). Cytogenetic location: 13q33.1.
Variant type: single nucleotide variant.
Coding change: c.358G>A on transcript NM_000452.3 (MANE Select); coding-DNA position 358, G replaced by A.
Protein change: p.Asp120Asn; replaces aspartic acid 120 with asparagine.
Molecular consequence: missense variant.
Genome position (GRCh38, 1-based): chr13:103,065,892, C>T on the plus strand (G>A on the coding strand, the complement: SLC10A2 is on the minus strand). VCF-style: chr13-103065892-C-T. GRCh37 (hg19) VCF-style: chr13-103718242-C-T.
Other names: short protein forms D120N.
Identifiers: ClinVar variation 2895043 (VCV002895043.3), dbSNP rs779125883, ClinGen allele CA7042269.